The following is an entry in ClinVar:

NM_001082486.2(ACD):c.139C>G (p.His47Asp)

Gene: ACD (ACD shelterin complex subunit and telomerase recruitment factor; minus strand). Cytogenetic location: 16q22.1.
Variant type: single nucleotide variant.
Coding change: c.139C>G on transcript NM_001082486.2 (MANE Select); coding-DNA position 139, C replaced by G.
Protein change: p.His47Asp; replaces histidine 47 with aspartic acid.
Molecular consequence: missense variant.
Genome position (GRCh38, 1-based): chr16:67,660,006, G>C on the plus strand (C>G on the coding strand, the complement: ACD is on the minus strand). VCF-style: chr16-67660006-G-C. GRCh37 (hg19) VCF-style: chr16-67693909-G-C.
Other names: c.139C>G, p.His47Asp (LRG_1237t1); c.130C>G, p.His44Asp (NM_022914.3); short protein forms H44D, H47D.
Identifiers: ClinVar variation 387524 (VCV000387524.6), dbSNP rs1057522813, ClinGen allele CA16607324.
Genomic context (GRCh38, chr16:67,660,006, plus strand): 5'-CACTGTGGGTCCCGTCAGACACAAGCAGCGTGGCCCCGACGTCGGACGTATCAGGGGCGT[G>C]GGATGGGCCCGCGACCGCGGCCTCGGCGTCCTGTAGTACCTGACGGCGGCGAGCGGCGTC-3'
Protein context (NP_001075955.2, residues 37-57): DAEAAVAGPS[His47Asp]APDTSDVGAT

ClinVar aggregate classification (germline): Uncertain significance. Review status: criteria provided, multiple submitters, no conflicts (2 of 4 stars). 3 submissions from 3 submitters: Uncertain significance (3). Last evaluated 2025-06-03.

Conditions:
Inborn genetic diseases. Identifiers: MedGen C0950123, MeSH D030342.
Dyskeratosis congenita, autosomal dominant 6 (DKCA6). Identifiers: Orphanet 3322, MedGen C4225284, MONDO:0014690, OMIM 616553.

Allele frequency attached by ClinVar (database versions not stated): gnomAD exomes below 0.00001; TOPMed below 0.00001.
gnomAD v4.1: 1 of 1,607,804 alleles (0.000062%); no homozygotes.

Submissions (3):

Labcorp Genetics (formerly Invitae), Labcorp
Classification: Uncertain significance for Dyskeratosis congenita, autosomal dominant 6. Last evaluated: 2025-06-03. Review status: criteria provided, single submitter. Criteria: Invitae Variant Classification Sherloc (09022015). Collection method: clinical testing. Allele origin: germline.
Comment: This sequence change replaces histidine, which is basic and polar, with aspartic acid, which is acidic and polar, at codon 133 of the ACD protein (p.His133Asp). This variant is present in population databases (no rsID available, gnomAD 0.01%). This variant has not been reported in the literature in individuals affected with ACD-related conditions. ClinVar contains an entry for this variant (Variation ID: 387524). Invitae Evidence Modeling of protein sequence and biophysical properties (such as structural, functional, and spatial information, amino acid conservation, physicochemical variation, residue mobility, and thermodynamic stability) indicates that this missense variant is not expected to disrupt ACD protein function with a negative predictive value of 80%. In summary, the available evidence is currently insufficient to determine the role of this variant in disease. Therefore, it has been classified as a Variant of Uncertain Significance.

Ambry Genetics
Classification: Uncertain significance for Inborn genetic diseases. Last evaluated: 2024-05-20. Review status: criteria provided, single submitter. Criteria: Ambry Variant Classification Scheme 2023. Collection method: clinical testing. Allele origin: germline.
Comment: The p.H133D variant (also known as c.397C>G), located in coding exon 2 of the ACD gene, results from a C to G substitution at nucleotide position 397. The histidine at codon 133 is replaced by aspartic acid, an amino acid with similar properties. This amino acid position is conserved. In addition, this alteration is predicted to be tolerated by in silico analysis. Based on the available evidence, the clinical significance of this variant remains unclear.

GeneDx
Classification: Uncertain significance. Last evaluated: 2016-07-04. Review status: criteria provided, single submitter. Criteria: GeneDx Variant Classification (06012015). Collection method: clinical testing. Allele origin: germline. Affected: yes.
Comment: The H133D variant in the ACD gene has not been reported previously as a pathogenic variant, nor as a benign variant, to our knowledge. The H133D variant was not observed in approximately 6,500 individuals of European and African American ancestry in the NHLBI Exome Sequencing Project, indicating it is not a common benign variant in these populations. The H133D variant is a non-conservative amino acid substitution, which is likely to impact secondary protein structure as these residues differ in polarity, charge, size and/or other properties. However, this substitution occurs at a position that is not conserved, and in silico analysis predicts this variant likely does not alter the protein structure/function. We interpret H133D as a variant of uncertain significance.